The following is an entry in ClinVar:

NM_201253.3(CRB1):c.2842T>G (p.Cys948Gly)

Gene: CRB1 (crumbs cell polarity complex component 1; plus strand). Cytogenetic location: 1q31.3.
Variant type: single nucleotide variant.
Coding change: c.2842T>G on transcript NM_201253.3 (MANE Select); coding-DNA position 2842, T replaced by G.
Protein change: p.Cys948Gly; replaces cysteine 948 with glycine.
Molecular consequence: missense variant. On other transcripts: non-coding transcript variant (2), intron variant (1).
Genome position (GRCh38, 1-based): chr1:197,429,614, T>G. VCF-style: chr1-197429614-T-G. GRCh37 (hg19) VCF-style: chr1-197398744-T-G.
Other names: c.2506T>G, p.Cys836Gly (NM_001193640.2); c.2770T>G, p.Cys924Gly (NM_001257965.2); c.2129-5986T>G (NM_001257966.2); short protein forms C924G, C948G, C836G.
Identifiers: ClinVar variation 2064249 (VCV002064249.5), dbSNP rs62645747, ClinGen allele CA344041408.

ClinVar aggregate classification (germline): Likely pathogenic. Review status: criteria provided, multiple submitters, no conflicts (2 of 4 stars). 2 submissions from 2 submitters: Likely pathogenic (2). Last evaluated 2025-12-15.

Conditions:
Retinitis pigmentosa 12 (RP12). Also called: RP WITH OR WITHOUT PPRPE; RP WITH OR WITHOUT PRESERVED PARAARTERIOLE RETINAL PIGMENT EPITHELIUM; RETINITIS PIGMENTOSA WITH OR WITHOUT PARAARTERIOLAR PRESERVATION OF RETINAL PIGMENT EPITHELIUM. Identifiers: Orphanet 791, MedGen C1838647, MONDO:0010818, OMIM 600105.
Leber congenital amaurosis 8 (LCA8). Identifiers: Orphanet 65, MedGen C3151202, MONDO:0013453, OMIM 613835.
CRB1-related disorder. Also called: CRB1-related condition; CRB1-related disorders.

Submissions (2):

Labcorp Genetics (formerly Invitae), Labcorp
Classification: Likely pathogenic for Leber congenital amaurosis 8; Retinitis pigmentosa 12. Last evaluated: 2025-12-15. Review status: criteria provided, single submitter. Criteria: Invitae Variant Classification Sherloc (09022015). Collection method: clinical testing. Allele origin: germline.
Comment: This sequence change replaces cysteine, which is neutral and slightly polar, with glycine, which is neutral and non-polar, at codon 948 of the CRB1 protein (p.Cys948Gly). This variant is not present in population databases (gnomAD no frequency). This missense change has been observed in individuals with CRB1-related conditions (internal data). ClinVar contains an entry for this variant (Variation ID: 2064249). An algorithm developed to predict the effect of missense changes on protein structure and function (PolyPhen-2) suggests that this variant is likely to be disruptive. This variant disrupts the p.Cys948 amino acid residue in CRB1. Other variant(s) that disrupt this residue have been determined to be pathogenic (PMID: 28005958, 28714225, 28819299). This suggests that this residue is clinically significant, and that variants that disrupt this residue are likely to be disease-causing. In summary, the currently available evidence indicates that the variant is pathogenic, but additional data are needed to prove that conclusively. Therefore, this variant has been classified as Likely Pathogenic.

Blueprint Genetics
Classification: Likely pathogenic for CRB1-related disorders. Last evaluated: 2022-11-03. Review status: criteria provided, single submitter. Criteria: ACMG Guidelines, 2015. Collection method: clinical testing. Allele origin: germline. Affected: yes. Observed: 1 variant allele.

Literature cited by the submitters: PubMed 28005958 (cited by Labcorp Genetics (formerly Invitae), Labcorp); PubMed 28714225 (cited by Labcorp Genetics (formerly Invitae), Labcorp); PubMed 28819299 (cited by Labcorp Genetics (formerly Invitae), Labcorp).